The following is an entry in ClinVar:

NM_000245.4(MET):c.1200+1G>C

Gene: MET (MET proto-oncogene, receptor tyrosine kinase; plus strand). Cytogenetic location: 7q31.2.
Variant type: single nucleotide variant.
Coding change: c.1200+1G>C on transcript NM_000245.4 (MANE Select); the canonical splice donor site of the intron after coding-DNA position 1200, G replaced by C.
Molecular consequence: splice donor variant. On other transcripts: intron variant (1).
Genome position (GRCh38, 1-based): chr7:116,700,285, G>C. VCF-style: chr7-116700285-G-C. GRCh37 (hg19) VCF-style: chr7-116340339-G-C.
Other names: c.1200+1G>C (NM_001127500.3, NM_001324401.3); c.-91+27708G>C (NM_001324402.2).
Identifiers: ClinVar variation 4106729 (VCV004106729.1).

ClinVar aggregate classification (germline): Uncertain significance (1 of 4 stars; one submission).

Conditions:
Hereditary cancer-predisposing syndrome. Also called: Tumor predisposition; Neoplastic Syndromes, Hereditary; Hereditary neoplastic syndrome; Hereditary Cancer Syndrome. Identifiers: Orphanet 140162, MedGen C0027672, MeSH D009386, MONDO:0015356.

Submission:

Ambry Genetics
Classification: Uncertain significance for Hereditary cancer-predisposing syndrome. Last evaluated: 2025-06-26. Review status: criteria provided, single submitter. Criteria: Ambry Variant Classification Scheme 2023. Collection method: clinical testing. Allele origin: germline.
Comment: The c.1200+1G>C intronic variant results from a G to C substitution one nucleotide after coding exon 1 of the MET gene. This nucleotide position is highly conserved in available vertebrate species. In silico splice site analysis predicts that this alteration will weaken the native splice donor site. Alterations that disrupt the canonical splice site are expected to cause aberrant splicing, resulting in an abnormal protein or a transcript that is subject to nonsense-mediated mRNA decay. However, loss of function of MET has not been established as a mechanism of disease. Based on the available evidence, the clinical significance of this alteration remains unclear.